The following is an entry in ClinVar:

ClinVar aggregate classification (germline): Uncertain significance (1 of 4 stars; one submission).

gnomAD v4.1: 5 of 1,614,020 alleles (0.00031%); highest among the groups gnomAD compares: Admixed American, 0.005%; no homozygotes.

Submission:

GeneDx
Classification: Uncertain significance. Last evaluated: 2025-07-11. Review status: criteria provided, single submitter. Criteria: GeneDx Variant Classification Process June 2021. Collection method: clinical testing. Allele origin: germline. Affected: yes.
Comment: Not observed at significant frequency in large population cohorts (gnomAD); In silico analysis suggests that this missense variant does not alter protein structure/function; Has not been previously published as pathogenic or benign to our knowledge

NM_004086.3(COCH):c.244G>A (p.Val82Ile)

Genes: COCH (cochlin; plus strand), COCH-AS1 (COCH antisense RNA 1; minus strand). Cytogenetic location: 14q12.
Variant type: single nucleotide variant.
Coding change: c.244G>A on transcript NM_004086.3 (MANE Select); coding-DNA position 244, G replaced by A.
Protein change: p.Val82Ile; replaces valine 82 with isoleucine.
Molecular consequence: missense variant.
Genome position (GRCh38, 1-based): chr14:30,878,815, G>A. VCF-style: chr14-30878815-G-A. GRCh37 (hg19) VCF-style: chr14-31348021-G-A.
Other names: c.244G>A, p.Val82Ile (NM_001135058.2); c.439G>A, p.Val147Ile (NM_001347720.2); short protein forms V147I, V82I.
Identifiers: ClinVar variation 4685304 (VCV004685304.1).